The following is an entry in ClinVar:

ClinVar aggregate classification (germline): Uncertain significance (1 of 4 stars; one submission).

Submission:

Labcorp Genetics (formerly Invitae), Labcorp
Classification: Uncertain significance. Last evaluated: 2022-11-22. Review status: criteria provided, single submitter. Criteria: Invitae Variant Classification Sherloc (09022015). Collection method: clinical testing. Allele origin: germline.
Comment: In summary, the available evidence is currently insufficient to determine the role of this variant in disease. Therefore, it has been classified as a Variant of Uncertain Significance. Advanced modeling of protein sequence and biophysical properties (such as structural, functional, and spatial information, amino acid conservation, physicochemical variation, residue mobility, and thermodynamic stability) performed at Invitae indicates that this missense variant is not expected to disrupt ERCC6 protein function. This variant has not been reported in the literature in individuals affected with ERCC6-related conditions. This variant is not present in population databases (gnomAD no frequency). This sequence change replaces glutamine, which is neutral and polar, with glutamic acid, which is acidic and polar, at codon 1234 of the ERCC6 protein (p.Gln1234Glu).

NM_000124.4(ERCC6):c.3700C>G (p.Gln1234Glu)

Gene: ERCC6 (ERCC excision repair 6, chromatin remodeling factor; minus strand). Cytogenetic location: 10q11.23.
Variant type: single nucleotide variant.
Coding change: c.3700C>G on transcript NM_000124.4 (MANE Select); coding-DNA position 3700, C replaced by G.
Protein change: p.Gln1234Glu; replaces glutamine 1234 with glutamic acid.
Molecular consequence: missense variant.
Genome position (GRCh38, 1-based): chr10:49,470,260, G>C on the plus strand (C>G on the coding strand, the complement: ERCC6 is on the minus strand). VCF-style: chr10-49470260-G-C. GRCh37 (hg19) VCF-style: chr10-50678306-G-C.
Other names: c.3700C>G, p.Gln1234Glu (NM_001346440.2); short protein forms Q1234E.
Identifiers: ClinVar variation 1961647 (VCV001961647.3), dbSNP rs1850749119, ClinGen allele CA376712784.
Genomic context (GRCh38, chr10:49,470,260, plus strand): 5'-TTTCCAAAACATAATCGTCATTGCTCTGTTCCTTGGCCTCACTCTTGTTTTCACTGTCTT[G>C]CTTCTGGTAACGCCTTTTCTTCACCAGGTGTGGAATTCGAGTTCCTTCAAACTTGGCGTC-3'
Protein context (NP_000115.1, residues 1224-1244): HLVKKRRYQK[Gln1234Glu]DSENKSEAKE